The following is an entry in ClinVar:

ClinVar aggregate classification (germline): Uncertain significance (1 of 4 stars; one submission).

Conditions:
Ehlers-Danlos syndrome, dermatosparaxis type. Also called: Ehlers-Danlos syndrome, type VII, autosomal recessive; EDS VIIC; Dermatosparaxis. Identifiers: Orphanet 1901, MedGen C2700425, MONDO:0009161, OMIM 225410.

gnomAD v4.1: 1 of 1,138,654 alleles (0.000088%); no homozygotes.

Submission:

Labcorp Genetics (formerly Invitae), Labcorp
Classification: Uncertain significance for Ehlers-Danlos syndrome, dermatosparaxis type. Last evaluated: 2022-06-30. Review status: criteria provided, single submitter. Criteria: Invitae Variant Classification Sherloc (09022015). Collection method: clinical testing. Allele origin: germline.
Comment: In summary, the available evidence is currently insufficient to determine the role of this variant in disease. Therefore, it has been classified as a Variant of Uncertain Significance. This sequence change replaces proline, which is neutral and non-polar, with glutamine, which is neutral and polar, at codon 33 of the ADAMTS2 protein (p.Pro33Gln). This variant is not present in population databases (gnomAD no frequency). This variant has not been reported in the literature in individuals affected with ADAMTS2-related conditions. Algorithms developed to predict the effect of missense changes on protein structure and function are either unavailable or do not agree on the potential impact of this missense change (SIFT: "Tolerated"; PolyPhen-2: "Not Available"; Align-GVGD: "Class C0").

NM_014244.5(ADAMTS2):c.98C>A (p.Pro33Gln)

Gene: ADAMTS2 (ADAM metallopeptidase with thrombospondin type 1 motif 2; minus strand). Cytogenetic location: 5q35.3.
Variant type: single nucleotide variant.
Coding change: c.98C>A on transcript NM_014244.5 (MANE Select); coding-DNA position 98, C replaced by A.
Protein change: p.Pro33Gln; replaces proline 33 with glutamine.
Molecular consequence: missense variant.
Genome position (GRCh38, 1-based): chr5:179,345,231, G>T on the plus strand (C>A on the coding strand, the complement: ADAMTS2 is on the minus strand). VCF-style: chr5-179345231-G-T. GRCh37 (hg19) VCF-style: chr5-178772232-G-T.
Other names: c.98C>A, p.Pro33Gln (NM_021599.4); short protein forms P33Q.
Identifiers: ClinVar variation 2012518 (VCV002012518.4), dbSNP rs1486590559, ClinGen allele CA362623834.